The following is an entry in ClinVar:

NM_006759.4(UGP2):c.132A>G (p.Ser44=)

Gene: UGP2 (UDP-glucose pyrophosphorylase 2; plus strand). Cytogenetic location: 2p15.
Variant type: single nucleotide variant.
Coding change: c.132A>G on transcript NM_006759.4 (MANE Select); coding-DNA position 132, A replaced by G.
Protein change: p.Ser44=; no amino-acid change (serine 44 retained).
Molecular consequence: synonymous variant. On other transcripts: 5 prime UTR variant (3), intron variant (1).
Genome position (GRCh38, 1-based): chr2:63,856,418, A>G. VCF-style: chr2-63856418-A-G. GRCh37 (hg19) VCF-style: chr2-64083552-A-G.
Other names: c.99A>G, p.Ser33= (NM_001001521.2, NM_001377524.1, NM_001377525.1); c.-398A>G (NM_001377526.1, NM_001377529.1); c.-317A>G (NM_001377528.1); c.-106+15186A>G (NM_001377527.1).
Identifiers: ClinVar variation 3388878 (VCV003388878.14).
Genomic context (GRCh38, chr2:63,856,418, plus strand): 5'-TCGGCAAGAGCTAGAATTATCTGTGAAGAAGGAACTAGAAAAAATACTCACCACAGCATC[A>G]TCACATGAATTTGAGGTAAGGAGGTTTCTACAGTGTTCCACCCCCCCGCCCCTCCCTTCA-3'
Protein context (NP_006750.3, residues 34-54): KELEKILTTA[Ser44=]SHEFEHTKKD

ClinVar aggregate classification (germline): Likely benign (1 of 4 stars; one submission).

gnomAD v4.1: 8 of 1,612,214 alleles (0.0005%); highest among the groups gnomAD compares: African/African-American, 0.0013%; no homozygotes.

Submission:

CeGaT Center for Human Genetics Tuebingen
Classification: Likely benign. Last evaluated: 2026-01-01. Review status: criteria provided, single submitter. Criteria: CeGaT Center For Human Genetics Tuebingen Variant Classification Criteria Version 2. Collection method: clinical testing. Allele origin: germline. Affected: yes. Observed: 2 variant alleles.
Comment: UGP2: BP4, BP7